The following is an entry in ClinVar:

ClinVar aggregate classification (germline): Conflicting classifications of pathogenicity. Review status: criteria provided, conflicting classifications (1 of 4 stars). 3 submissions from 3 submitters: Uncertain significance (2); Likely benign (1). Last evaluated 2025-09-15.

Conditions:
Hereditary breast ovarian cancer syndrome. Also called: Hereditary breast and ovarian cancer; Hereditary breast and ovarian cancer syndrome; Breast and ovarian cancer; BRCA1- and BRCA2-Associated Hereditary Breast and Ovarian Cancer; Hereditary breast and ovarian cancer syndrome (HBOC); Hereditary breast and/or ovarian cancer syndrome. Identifiers: Orphanet 145, MedGen C0677776, MeSH D061325, MONDO:0003582. Disease mechanism: loss of function.
Hereditary cancer-predisposing syndrome. Also called: Hereditary Cancer Syndrome; Hereditary neoplastic syndrome; Tumor predisposition; Neoplastic Syndromes, Hereditary. Identifiers: Orphanet 140162, MedGen C0027672, MeSH D009386, MONDO:0015356.

gnomAD v4.1: 1 of 1,613,730 alleles (0.000062%); highest among the groups gnomAD compares: Admixed American, 0.0017%; no homozygotes.

Submissions (3):

Labcorp Genetics (formerly Invitae), Labcorp
Classification: Uncertain significance for Hereditary breast ovarian cancer syndrome. Last evaluated: 2025-09-15. Review status: criteria provided, single submitter. Criteria: Invitae Variant Classification Sherloc (09022015). Collection method: clinical testing. Allele origin: germline.
Comment: This sequence change replaces histidine, which is basic and polar, with aspartic acid, which is acidic and polar, at codon 2038 of the BRCA2 protein (p.His2038Asp). This variant is present in population databases (no rsID available, gnomAD 0.003%). This variant has not been reported in the literature in individuals affected with BRCA2-related conditions. ClinVar contains an entry for this variant (Variation ID: 1400147). Invitae Evidence Modeling of protein sequence and biophysical properties (such as structural, functional, and spatial information, amino acid conservation, physicochemical variation, residue mobility, and thermodynamic stability) indicates that this missense variant is not expected to disrupt BRCA2 protein function with a negative predictive value of 95%. In summary, the available evidence is currently insufficient to determine the role of this variant in disease. Therefore, it has been classified as a Variant of Uncertain Significance.

University of Washington Department of Laboratory Medicine, University of Washington
Classification: Likely benign for Hereditary cancer-predisposing syndrome. Last evaluated: 2023-03-23. Review status: criteria provided, single submitter. Criteria: Dines et al. (Genet Med. 2020). Collection method: curation. Allele origin: germline.
Comment: Missense variant in a coldspot region where missense variants are very unlikely to be pathogenic (PMID:31911673).

BRCA2 exon 11 coldspot. Reclassification based on statistical prior probability.

Ambry Genetics
Classification: Uncertain significance for Hereditary cancer-predisposing syndrome. Last evaluated: 2019-12-24. Review status: criteria provided, single submitter. Criteria: Ambry Variant Classification Scheme 2023. Collection method: clinical testing. Allele origin: germline.
Comment: The p.H2038D variant (also known as c.6112C>G), located in coding exon 10 of the BRCA2 gene, results from a C to G substitution at nucleotide position 6112. The histidine at codon 2038 is replaced by aspartic acid, an amino acid with similar properties. This amino acid position is poorly conserved in available vertebrate species. In addition, this alteration is predicted to be tolerated by in silico analysis. Since supporting evidence is limited at this time, the clinical significance of this alteration remains unclear.

NM_000059.4(BRCA2):c.6112C>G (p.His2038Asp)

Gene: BRCA2 (BRCA2 DNA repair associated; plus strand). Cytogenetic location: 13q13.1.
Variant type: single nucleotide variant.
Coding change: c.6112C>G on transcript NM_000059.4 (MANE Select); coding-DNA position 6112, C replaced by G.
Protein change: p.His2038Asp; replaces histidine 2038 with aspartic acid.
Molecular consequence: missense variant.
Genome position (GRCh38, 1-based): chr13:32,340,467, C>G. VCF-style: chr13-32340467-C-G. GRCh37 (hg19) VCF-style: chr13-32914604-C-G.
Other names: short protein forms H2038D.
Identifiers: ClinVar variation 1400147 (VCV001400147.9), dbSNP rs587778123, ClinGen allele CA387788134.